The following is an entry in ClinVar:

NM_003072.5(SMARCA4):c.2286G>A (p.Leu762=)

Gene: SMARCA4 (SWI/SNF related BAF chromatin remodeling complex subunit ATPase 4; plus strand). Cytogenetic location: 19p13.2.
Variant type: single nucleotide variant.
Coding change: c.2286G>A on transcript NM_003072.5 (MANE Select); coding-DNA position 2286, G replaced by A.
Protein change: p.Leu762=; no amino-acid change (leucine 762 retained).
Molecular consequence: synonymous variant. On other transcripts: non-coding transcript variant (1).
Genome position (GRCh38, 1-based): chr19:11,012,960, G>A. VCF-style: chr19-11012960-G-A. GRCh37 (hg19) VCF-style: chr19-11123636-G-A.
Other names: c.2286G>A, p.Leu762= (NM_001128844.3, NM_001128845.2, NM_001128846.2 and 4 more transcripts).
Identifiers: ClinVar variation 706762 (VCV000706762.17), dbSNP rs1600208852, ClinGen allele CA505489734.
Genomic context (GRCh38, chr19:11,012,960, plus strand): 5'-GTGTCCGACCCGGCCTTCAGTCCTGGCGTGGCCGCATCTGTCCTTGCAGATCAAAGGTTT[G>A]GAGTGGCTGGTGTCCCTGTACAACAACAACCTGAACGGCATCCTGGCCGACGAGATGGGC-3'
Protein context (NP_003063.2, residues 752-772): GVLKQYQIKG[Leu762=]EWLVSLYNNN

ClinVar aggregate classification (germline): Conflicting classifications of pathogenicity. Review status: criteria provided, conflicting classifications (1 of 4 stars). 4 submissions from 4 submitters: Uncertain significance (1); Benign (1); Likely benign (2). Last evaluated 2026-07-13.

Conditions:
Hereditary cancer-predisposing syndrome. Also called: Hereditary neoplastic syndrome; Neoplastic Syndromes, Hereditary; Tumor predisposition; Hereditary Cancer Syndrome. Identifiers: Orphanet 140162, MedGen C0027672, MeSH D009386, MONDO:0015356.
Rhabdoid tumor predisposition syndrome 2 (RTPS2). Identifiers: Orphanet 231108, Orphanet 69077, MedGen C2750074, MONDO:0013224, OMIM 613325.

Allele frequency attached by ClinVar (database versions not stated): TOPMed 0.00002; gnomAD 0.00001.
gnomAD v4.1: 2 of 1,614,008 alleles (0.00012%); highest among the groups gnomAD compares: Admixed American, 0.0033%; no homozygotes.

Submissions (4):

Myriad Genetics, Inc.
Classification: Benign for Rhabdoid tumor predisposition syndrome 2. Last evaluated: 2026-07-13. Review status: criteria provided, single submitter. Criteria: Myriad Autosomal Dominant, Autosomal Recessive and X-Linked Classification Criteria (2023). Collection method: clinical testing. Allele origin: unknown.
Comment: This variant is considered benign. This variant is a silent/synonymous amino acid change and it is not expected to impact splicing.

Labcorp Genetics (formerly Invitae), Labcorp
Classification: Likely benign for Rhabdoid tumor predisposition syndrome 2. Last evaluated: 2025-12-22. Review status: criteria provided, single submitter. Criteria: Invitae Variant Classification Sherloc (09022015). Collection method: clinical testing. Allele origin: germline.

Sema4
Classification: Uncertain significance for Hereditary cancer-predisposing syndrome. Last evaluated: 2022-02-02. Review status: criteria provided, single submitter. Criteria: Sema4 Curation Guidelines. Collection method: curation. Allele origin: germline.
Comment: The SMARCA4 c.2286G>A (p.L762=) variant has not been reported in the literature to our knowledge. It was not observed in the large and broad cohorts of the Genome Aggregation Database (PMID: 32461654). This variant has been reported in ClinVar (Variation ID 706762). The nucleotide is moderately conserved and in silico tools that predict the effect of sequence changes on splicing suggest that this variant may not impact splicing, though these predictions have not been confirmed by functional studies. The evidence is insufficient to meet ACMG/AMP criteria for classifying the variant as benign or pathogenic. Thus, the clinical significance of this variant is currently uncertain.

Ambry Genetics
Classification: Likely benign for Hereditary cancer-predisposing syndrome. Last evaluated: 2018-08-15. Review status: criteria provided, single submitter. Criteria: Ambry Variant Classification Scheme 2023. Collection method: clinical testing. Allele origin: germline.